The following is an entry in ClinVar:

NM_032043.3(BRIP1):c.1694C>A (p.Ser565Ter)

Gene: BRIP1 (BRCA1 interacting DNA helicase 1; minus strand). Cytogenetic location: 17q23.2.
Variant type: single nucleotide variant.
Coding change: c.1694C>A on transcript NM_032043.3 (MANE Select); coding-DNA position 1694, C replaced by A.
Protein change: p.Ser565Ter; replaces serine 565 with a stop codon.
Molecular consequence: nonsense.
Genome position (GRCh38, 1-based): chr17:61,780,940, G>T on the plus strand (C>A on the coding strand, the complement: BRIP1 is on the minus strand). VCF-style: chr17-61780940-G-T. GRCh37 (hg19) VCF-style: chr17-59858301-G-T.
Other names: short protein forms S565*.
Identifiers: ClinVar variation 842724 (VCV000842724.9), dbSNP rs1603334619, ClinGen allele CA400480449.
Genomic context (GRCh38, chr17:61,780,940, plus strand): 5'-GCAGTTTTCTGTCGTGAACGTTTCTTATTTTTTGGTAGAACCAACAACCCATTTTTGTCT[G>T]AAATATCAATCTGATTTGTCCAGGAGTAAGTCTGTTGAATCGCAATTTTATAATCATCTG-3'

ClinVar aggregate classification (germline): Pathogenic/Likely pathogenic. Review status: criteria provided, multiple submitters, no conflicts (2 of 4 stars). 2 submissions from 2 submitters: Pathogenic (1); Likely pathogenic (1). Last evaluated 2025-09-03.

Conditions:
Hereditary cancer-predisposing syndrome. Also called: Neoplastic Syndromes, Hereditary; Hereditary neoplastic syndrome; Tumor predisposition; Hereditary Cancer Syndrome. Identifiers: Orphanet 140162, MedGen C0027672, MeSH D009386, MONDO:0015356.
Fanconi anemia complementation group J. Also called: BRIP1-Related Fanconi Anemia. Identifiers: Orphanet 84, MedGen C1836860, MONDO:0012187, OMIM 609054.
Familial cancer of breast. Also called: hereditary breast carcinoma; BREAST CANCER, FAMILIAL; Hereditary breast cancer. Identifiers: Orphanet 227535, MedGen C0346153, MONDO:0016419, OMIM 114480. Disease mechanism: loss of function.

Submissions (2):

Institute for Genomic Medicine (IGM) Clinical Laboratory, Nationwide Children's Hospital
Classification: Likely pathogenic for Hereditary cancer-predisposing syndrome. Last evaluated: 2025-09-03. Review status: criteria provided, single submitter. Criteria: ACMG Guidelines, 2015. Collection method: clinical testing. Allele origin: germline.
Comment: This variant is predicted to result in loss of function through nonsense-mediated decay of the encoded transcript or premature truncation of the encoded protein in a gene in which loss of function is a known mechanism of disease (ACMG/AMP: PVS1). This variant is absent from or present at an exceedingly low frequency in gnomAD, a large-scale control population database (ACMG/AMP: PM2).

Labcorp Genetics (formerly Invitae), Labcorp
Classification: Pathogenic for Familial cancer of breast; Fanconi anemia complementation group J. Last evaluated: 2019-11-18. Review status: criteria provided, single submitter. Criteria: Invitae Variant Classification Sherloc (09022015). Collection method: clinical testing. Allele origin: germline.
Comment: Loss-of-function variants in BRIP1 are known to be pathogenic (PMID: 16116423, 17033622, 21964575). This variant has not been reported in the literature in individuals with BRIP1-related conditions. This variant is not present in population databases (ExAC no frequency). This sequence change creates a premature translational stop signal (p.Ser565*) in the BRIP1 gene. It is expected to result in an absent or disrupted protein product. For these reasons, this variant has been classified as Pathogenic.

Literature cited by the submitters: PubMed 16116423 (cited by Labcorp Genetics (formerly Invitae), Labcorp); PubMed 17033622 (cited by Labcorp Genetics (formerly Invitae), Labcorp); PubMed 21964575 (cited by Labcorp Genetics (formerly Invitae), Labcorp).